The following is an entry in ClinVar:

NM_000453.3(SLC5A5):c.52G>A (p.Gly18Arg)

Gene: SLC5A5 (solute carrier family 5 member 5; plus strand). Cytogenetic location: 19p13.11.
Variant type: single nucleotide variant.
Coding change: c.52G>A on transcript NM_000453.3 (MANE Select); coding-DNA position 52, G replaced by A.
Protein change: p.Gly18Arg; replaces glycine 18 with arginine.
Molecular consequence: missense variant.
Genome position (GRCh38, 1-based): chr19:17,872,371, G>A. VCF-style: chr19-17872371-G-A. GRCh37 (hg19) VCF-style: chr19-17983180-G-A.
Other names: short protein forms G18R.
Identifiers: ClinVar variation 3339135 (VCV003339135.1).
Genomic context (GRCh38, chr19:17,872,371, plus strand): 5'-CCCGCCCTCATGGAGGCCGTGGAGACCGGGGAACGGCCCACCTTCGGAGCCTGGGACTAC[G>A]GGGTCTTTGCCCTCATGCTCCTGGTGTCCACTGGCATCGGGCTGTGGGTCGGGCTGGCTC-3'
Protein context (NP_000444.1, residues 8-28): ERPTFGAWDY[Gly18Arg]VFALMLLVST

ClinVar aggregate classification (germline): Uncertain significance (1 of 4 stars; one submission).

Submission:

Women's Health and Genetics/Laboratory Corporation of America, LabCorp
Classification: Uncertain significance. Last evaluated: 2024-07-05. Review status: criteria provided, single submitter. Criteria: LabCorp Variant Classification Summary - May 2015. Collection method: clinical testing. Allele origin: germline.
Comment: Variant summary: SLC5A5 c.52G>A (p.Gly18Arg) results in a non-conservative amino acid change in the encoded protein sequence. Three of five in-silico tools predict a damaging effect of the variant on protein function. The variant allele was found at a frequency of 1.3e-06 in 1596578 control chromosomes. c.52G>A has been reported in the literature as a compound heterozygous genotype in at-least one individual affected with fetal goitrous hypothyroidism (Stoupa_2020, with non-primary references in Li_2022 and Zhang_2021). These data do not allow any conclusion about variant significance. To our knowledge, no experimental evidence demonstrating an impact on protein function has been reported. The following publications have been ascertained in the context of this evaluation (PMID: 35276235, 32805706, 33815280). No submitters have cited clinical-significance assessments for this variant to ClinVar. Based on the evidence outlined above, the variant was classified as uncertain significance.

Literature cited by the submitters: PubMed 35276235; PubMed 32805706; PubMed 33815280.